The following is an entry in ClinVar:

ClinVar aggregate classification (germline): Uncertain significance (1 of 4 stars; one submission).

gnomAD v4.1: 2 of 1,614,042 alleles (0.00012%); highest among the groups gnomAD compares: East Asian, 0.0022%; no homozygotes.

Submission:

Labcorp Genetics (formerly Invitae), Labcorp
Classification: Uncertain significance. Last evaluated: 2025-11-06. Review status: criteria provided, single submitter. Criteria: Invitae Variant Classification Sherloc (09022015). Collection method: clinical testing. Allele origin: germline.
Comment: This sequence change replaces glycine, which is neutral and non-polar, with alanine, which is neutral and non-polar, at codon 285 of the DCHS1 protein (p.Gly285Ala). This variant is present in population databases (no rsID available, gnomAD 0.006%). This variant has not been reported in the literature in individuals affected with DCHS1-related conditions. Invitae Evidence Modeling of protein sequence and biophysical properties (such as structural, functional, and spatial information, amino acid conservation, physicochemical variation, residue mobility, and thermodynamic stability) has been performed for this missense variant. However, the output from this modeling did not meet the statistical confidence thresholds required to predict the impact of this variant on DCHS1 protein function. In summary, the available evidence is currently insufficient to determine the role of this variant in disease. Therefore, it has been classified as a Variant of Uncertain Significance.

NM_003737.4(DCHS1):c.854G>C (p.Gly285Ala)

Gene: DCHS1 (dachsous cadherin-related 1; minus strand). Cytogenetic location: 11p15.4.
Variant type: single nucleotide variant.
Coding change: c.854G>C on transcript NM_003737.4 (MANE Select); coding-DNA position 854, G replaced by C.
Protein change: p.Gly285Ala; replaces glycine 285 with alanine.
Molecular consequence: missense variant.
Genome position (GRCh38, 1-based): chr11:6,640,760, C>G on the plus strand (G>C on the coding strand, the complement: DCHS1 is on the minus strand). VCF-style: chr11-6640760-C-G. GRCh37 (hg19) VCF-style: chr11-6661991-C-G.
Other names: short protein forms G285A.
Identifiers: ClinVar variation 4696430 (VCV004696430.1).